The following is an entry in ClinVar:

ClinVar aggregate classification (germline): Uncertain significance. Review status: criteria provided, multiple submitters, no conflicts (2 of 4 stars). 2 submissions from 2 submitters: Uncertain significance (2). Last evaluated 2025-03-19.

Conditions:
Inborn genetic diseases. Identifiers: MedGen C0950123, MeSH D030342.

Allele frequency attached by ClinVar (database versions not stated): gnomAD exomes below 0.00001; TOPMed below 0.00001; ExAC 0.00001; gnomAD 0.00001.
gnomAD v4.1: 4 of 1,613,656 alleles (0.00025%); highest among the groups gnomAD compares: East Asian, 0.0045%; no homozygotes.

Submissions (2):

Ambry Genetics
Classification: Uncertain significance for Inborn genetic diseases. Last evaluated: 2025-03-19. Review status: criteria provided, single submitter. Criteria: Ambry Variant Classification Scheme 2023. Collection method: clinical testing. Allele origin: germline.

Labcorp Genetics (formerly Invitae), Labcorp
Classification: Uncertain significance. Last evaluated: 2022-03-06. Review status: criteria provided, single submitter. Criteria: Invitae Variant Classification Sherloc (09022015). Collection method: clinical testing. Allele origin: germline.
Comment: This sequence change replaces threonine, which is neutral and polar, with isoleucine, which is neutral and non-polar, at codon 464 of the CACNA1D protein (p.Thr464Ile). This variant is present in population databases (rs774642828, gnomAD 0.006%). This variant has not been reported in the literature in individuals affected with CACNA1D-related conditions. Algorithms developed to predict the effect of missense changes on protein structure and function (SIFT, PolyPhen-2, Align-GVGD) all suggest that this variant is likely to be tolerated. In summary, the available evidence is currently insufficient to determine the role of this variant in disease. Therefore, it has been classified as a Variant of Uncertain Significance.

NM_001128840.3(CACNA1D):c.1391C>T (p.Thr464Ile)

Gene: CACNA1D (calcium voltage-gated channel subunit alpha1 D; plus strand). Cytogenetic location: 3p21.1.
Variant type: single nucleotide variant.
Coding change: c.1391C>T on transcript NM_001128840.3 (MANE Select); coding-DNA position 1391, C replaced by T.
Protein change: p.Thr464Ile; replaces threonine 464 with isoleucine.
Molecular consequence: missense variant.
Genome position (GRCh38, 1-based): chr3:53,718,301, C>T. VCF-style: chr3-53718301-C-T. GRCh37 (hg19) VCF-style: chr3-53752328-C-T.
Other names: c.1391C>T, p.Thr464Ile (NM_000720.4, NM_001128839.3); c.1391C>T (NM_000720.2); short protein forms T464I.
Identifiers: ClinVar variation 2042174 (VCV002042174.5), dbSNP rs774642828, ClinGen allele CA2453939.